The following is an entry in ClinVar:

ClinVar aggregate classification (germline): Uncertain significance (1 of 4 stars; one submission).

Submission:

GeneDx
Classification: Uncertain significance. Last evaluated: 2022-05-20. Review status: criteria provided, single submitter. Criteria: GeneDx Variant Classification Process June 2021. Collection method: clinical testing. Allele origin: germline. Affected: yes.
Comment: Not observed at significant frequency in large population cohorts (gnomAD); Frameshift variant predicted to result in protein truncation or nonsense mediated decay in a gene or region of a gene for which loss of function is not a well-established mechanism of disease; Has not been previously published as pathogenic or benign to our knowledge

NM_003036.4(SKI):c.636_658del (p.Glu212fs)

Gene: SKI (SKI proto-oncogene; plus strand). Cytogenetic location: 1p36.33.
Variant type: Deletion.
Coding change: c.636_658del on transcript NM_003036.4 (MANE Select); coding-DNA positions 636 to 658, 23 bases deleted (GCTCAGCGAGCGCAGCGTCCGCG).
Protein change: p.Glu212fs; shifts the reading frame from glutamic acid 212.
Molecular consequence: frameshift variant.
Genome position (GRCh38, 1-based): chr1:2,229,402-2,229,424, GCTCAGCGAGCGCAGCGTCCGCG deleted. VCF-style (leftmost placement, unchanged base first): chr1-2229401-AGCTCAGCGAGCGCAGCGTCCGCG-A. GRCh37 (hg19) VCF-style: chr1-2160840-AGCTCAGCGAGCGCAGCGTCCGCG-A.
Other names: short protein forms E212fs.
Identifiers: ClinVar variation 1800601 (VCV001800601.1), dbSNP rs2527578782, ClinGen allele CA2580061427.